The following is an entry in ClinVar:

NM_005340.7(HINT1):c.111+316T>C

Gene: HINT1 (histidine triad nucleotide binding protein 1; minus strand). Cytogenetic location: 5q23.3.
Variant type: single nucleotide variant.
Coding change: c.111+316T>C on transcript NM_005340.7 (MANE Select); 316 bases into the intron after coding-DNA position 111, T replaced by C.
Molecular consequence: intron variant.
Genome position (GRCh38, 1-based): chr5:131,164,779, A>G on the plus strand (T>C on the coding strand, the complement: HINT1 is on the minus strand). VCF-style: chr5-131164779-A-G. GRCh37 (hg19) VCF-style: chr5-130500472-A-G.
Identifiers: ClinVar variation 673571 (VCV000673571.1), dbSNP rs10070831, ClinGen allele CA12036255.
Genomic context (GRCh38, chr5:131,164,779, plus strand): 5'-GCAGAGCGCTGGCGAGATTTCGAGATTCCTGATACAGGCAAGGTCCGAGGCAGCCGGGGA[A>G]CCGGCGGGCTTCCACGCGGGGGCCCCAGTGCGCCCCGACACGCGCCCAGGCCCCGCGGTG-3'

ClinVar aggregate classification (germline): Benign (1 of 4 stars; one submission).

Allele frequency attached by ClinVar (database versions not stated): 1000 Genomes Project 0.11821; gnomAD 0.11934 and 0.12673; 1000 Genomes Project 30x 0.12508; TOPMed 0.13312.
gnomAD v4.1: 17,979 of 151,964 alleles (12%); highest among the groups gnomAD compares: African/African-American, 34%; 2,641 homozygotes.

Submission:

GeneDx
Classification: Benign. Last evaluated: 2018-06-16. Review status: criteria provided, single submitter. Criteria: GeneDx Variant Classification (06012015). Collection method: clinical testing. Allele origin: germline. Affected: yes.
Comment: This variant is considered likely benign or benign based on one or more of the following criteria: it is a conservative change, it occurs at a poorly conserved position in the protein, it is predicted to be benign by multiple in silico algorithms, and/or has population frequency not consistent with disease.